The following is an entry in ClinVar:

NM_032444.4(SLX4):c.4853A>G (p.Gln1618Arg)

Gene: SLX4 (SLX4 structure-specific endonuclease subunit; minus strand). Cytogenetic location: 16p13.3.
Variant type: single nucleotide variant.
Coding change: c.4853A>G on transcript NM_032444.4 (MANE Select); coding-DNA position 4853, A replaced by G.
Protein change: p.Gln1618Arg; replaces glutamine 1618 with arginine.
Molecular consequence: missense variant.
Genome position (GRCh38, 1-based): chr16:3,583,397, T>C on the plus strand (A>G on the coding strand, the complement: SLX4 is on the minus strand). VCF-style: chr16-3583397-T-C. GRCh37 (hg19) VCF-style: chr16-3633398-T-C.
Other names: short protein forms Q1618R.
Identifiers: ClinVar variation 4754872 (VCV004754872.1).

ClinVar aggregate classification (germline): Uncertain significance (1 of 4 stars; one submission).

Conditions:
Fanconi anemia (FA). Also called: Fanconi's anemia. Identifiers: Orphanet 84, MedGen C0015625, MeSH D005199, MONDO:0019391.

Submission:

Labcorp Genetics (formerly Invitae), Labcorp
Classification: Uncertain significance for Fanconi anemia. Last evaluated: 2025-09-03. Review status: criteria provided, single submitter. Criteria: Invitae Variant Classification Sherloc (09022015). Collection method: clinical testing. Allele origin: germline.
Comment: This sequence change replaces glutamine, which is neutral and polar, with arginine, which is basic and polar, at codon 1618 of the SLX4 protein (p.Gln1618Arg). This variant is not present in population databases (gnomAD no frequency). This variant has not been reported in the literature in individuals affected with SLX4-related conditions. An algorithm developed to predict the effect of missense changes on protein structure and function outputs the following: PolyPhen-2: "Benign". The arginine amino acid residue is found in multiple mammalian species, which suggests that this missense change does not adversely affect protein function. In summary, the available evidence is currently insufficient to determine the role of this variant in disease. Therefore, it has been classified as a Variant of Uncertain Significance.